The following is an entry in ClinVar:

NM_032043.3(BRIP1):c.3577A>G (p.Thr1193Ala)

Gene: BRIP1 (BRCA1 interacting DNA helicase 1; minus strand). Cytogenetic location: 17q23.2.
Variant type: single nucleotide variant.
Coding change: c.3577A>G on transcript NM_032043.3 (MANE Select); coding-DNA position 3577, A replaced by G.
Protein change: p.Thr1193Ala; replaces threonine 1193 with alanine.
Molecular consequence: missense variant.
Genome position (GRCh38, 1-based): chr17:61,683,469, T>C on the plus strand (A>G on the coding strand, the complement: BRIP1 is on the minus strand). VCF-style: chr17-61683469-T-C. GRCh37 (hg19) VCF-style: chr17-59760830-T-C.
Other names: short protein forms T1193A.
Identifiers: ClinVar variation 3759055 (VCV003759055.3).

ClinVar aggregate classification (germline): Uncertain significance. Review status: criteria provided, multiple submitters, no conflicts (2 of 4 stars). 2 submissions from 2 submitters: Uncertain significance (2). Last evaluated 2024-09-23.

Conditions:
Hereditary cancer-predisposing syndrome. Also called: Tumor predisposition; Neoplastic Syndromes, Hereditary; Hereditary neoplastic syndrome; Hereditary Cancer Syndrome. Identifiers: Orphanet 140162, MedGen C0027672, MeSH D009386, MONDO:0015356.
Fanconi anemia complementation group J. Also called: BRIP1-Related Fanconi Anemia. Identifiers: Orphanet 84, MedGen C1836860, MONDO:0012187, OMIM 609054.
Familial cancer of breast. Also called: BREAST CANCER, FAMILIAL; Hereditary breast cancer; hereditary breast carcinoma. Identifiers: Orphanet 227535, MedGen C0346153, MONDO:0016419, OMIM 114480. Disease mechanism: loss of function.

gnomAD v4.1: 2 of 1,613,510 alleles (0.00012%); highest among the groups gnomAD compares: Non-Finnish European, 0.00017%; no homozygotes.

Submissions (2):

Labcorp Genetics (formerly Invitae), Labcorp
Classification: Uncertain significance for Familial cancer of breast; Fanconi anemia complementation group J. Last evaluated: 2024-09-23. Review status: criteria provided, single submitter. Criteria: Invitae Variant Classification Sherloc (09022015). Collection method: clinical testing. Allele origin: germline.
Comment: This sequence change replaces threonine, which is neutral and polar, with alanine, which is neutral and non-polar, at codon 1193 of the BRIP1 protein (p.Thr1193Ala). This variant is not present in population databases (gnomAD no frequency). This variant has not been reported in the literature in individuals affected with BRIP1-related conditions. An algorithm developed to predict the effect of missense changes on protein structure and function (PolyPhen-2) suggests that this variant is likely to be tolerated. In summary, the available evidence is currently insufficient to determine the role of this variant in disease. Therefore, it has been classified as a Variant of Uncertain Significance.

Color Diagnostics, LLC DBA Color Health
Classification: Uncertain significance for Hereditary cancer-predisposing syndrome. Last evaluated: 2024-07-26. Review status: criteria provided, single submitter. Criteria: ACMG Guidelines, 2015. Collection method: clinical testing. Allele origin: germline.
Comment: This missense variant replaces threonine with alanine at codon 1193 of the BRIP1 protein. Computational prediction suggests that this variant may not impact protein structure and function. To our knowledge, functional studies have not been reported for this variant. This variant has not been reported in individuals affected with BRIP1-related disorders in the literature. This variant has not been identified in the general population by the Genome Aggregation Database (gnomAD). The available evidence is insufficient to determine the role of this variant in disease conclusively. Therefore, this variant is classified as a Variant of Uncertain Significance.